The following is an entry in ClinVar:

NM_001039469.3(MARK2):c.1102-1G>C

Gene: MARK2 (microtubule affinity regulating kinase 2; plus strand). Cytogenetic location: 11q13.1.
Variant type: single nucleotide variant.
Coding change: c.1102-1G>C on transcript NM_001039469.3 (MANE Select); the canonical splice acceptor site of the intron before coding-DNA position 1102, G replaced by C.
Molecular consequence: splice acceptor variant.
Genome position (GRCh38, 1-based): chr11:63,902,197, G>C. VCF-style: chr11-63902197-G-C. GRCh37 (hg19) VCF-style: chr11-63669669-G-C.
Other names: c.1102-1G>C (NM_001163296.2, NM_004954.5, NM_001163297.2); c.1003-1G>C (NM_017490.4).
Identifiers: ClinVar variation 4731332 (VCV004731332.1).

ClinVar aggregate classification (germline): Likely pathogenic (1 of 4 stars; one submission).

Submission:

Labcorp Genetics (formerly Invitae), Labcorp
Classification: Likely pathogenic. Last evaluated: 2025-11-16. Review status: criteria provided, single submitter. Criteria: Invitae Variant Classification Sherloc (09022015). Collection method: clinical testing. Allele origin: germline.
Comment: This sequence change affects an acceptor splice site in intron 11 of the MARK2 gene. It is expected to disrupt RNA splicing. Variants that disrupt the donor or acceptor splice site typically lead to a loss of protein function (PMID: 16199547), and loss-of-function variants in MARK2 are known to be pathogenic (PMID: 39419027). This variant is not present in population databases (gnomAD no frequency). This variant has not been reported in the literature in individuals affected with MARK2-related conditions. Algorithms developed to predict the effect of sequence changes on RNA splicing suggest that this variant may disrupt the consensus splice site. In summary, the currently available evidence indicates that the variant is pathogenic, but additional data are needed to prove that conclusively. Therefore, this variant has been classified as Likely Pathogenic.

Literature cited by the submitters: PubMed 16199547; PubMed 39419027.